The following is an entry in ClinVar:

NM_172245.4(CSF2RA):c.20G>A (p.Ser7Asn)

Gene: CSF2RA (colony stimulating factor 2 receptor subunit alpha; plus strand). Cytogenetic location: Xp22.33.
Variant type: single nucleotide variant.
Coding change: c.20G>A on transcript NM_172245.4 (MANE Select); coding-DNA position 20, G replaced by A.
Protein change: p.Ser7Asn; replaces serine 7 with asparagine.
Molecular consequence: missense variant. On other transcripts: 5 prime UTR variant (1), non-coding transcript variant (1).
Genome position (GRCh38, 1-based): chrX:1,282,723, G>A. VCF-style: chrX-1282723-G-A. GRCh37 (hg19) VCF-style: chrX-1401616-G-A.
Other names: c.20G>A, p.Ser7Asn (NM_001161529.2, NM_001161530.2, NM_001161531.2 and 20 more transcripts); c.-237G>A (NM_001161532.2); short protein forms S7N.
Identifiers: ClinVar variation 1391550 (VCV001391550.6), dbSNP rs1402617835, ClinGen allele CA412234368.

ClinVar aggregate classification (germline): Uncertain significance (1 of 4 stars; one submission).

Conditions:
Surfactant metabolism dysfunction, pulmonary, 4 (SMDP4). Also called: CSF2RA DEFICIENCY; PAP DUE TO CSF2RA DEFICIENCY; PULMONARY ALVEOLAR PROTEINOSIS, CONGENITAL, 4. Identifiers: Orphanet 264675, MedGen C2677877, MONDO:0010424, OMIM 300770.

Allele frequency attached by ClinVar (database versions not stated): gnomAD exomes below 0.00001; gnomAD 0.00001; TOPMed 0.00001.
gnomAD v4.1: 3 of 1,613,666 alleles (0.00019%); highest among the groups gnomAD compares: Non-Finnish European, 0.00025%; no homozygotes.

Submission:

Labcorp Genetics (formerly Invitae), Labcorp
Classification: Uncertain significance for Surfactant metabolism dysfunction, pulmonary, 4. Last evaluated: 2021-12-02. Review status: criteria provided, single submitter. Criteria: Invitae Variant Classification Sherloc (09022015). Collection method: clinical testing. Allele origin: germline.
Comment: In summary, the available evidence is currently insufficient to determine the role of this variant in disease. Therefore, it has been classified as a Variant of Uncertain Significance. This sequence change replaces serine, which is neutral and polar, with asparagine, which is neutral and polar, at codon 7 of the CSF2RA protein (p.Ser7Asn). This variant is not present in population databases (gnomAD no frequency). This variant has not been reported in the literature in individuals affected with CSF2RA-related conditions. Algorithms developed to predict the effect of missense changes on protein structure and function are either unavailable or do not agree on the potential impact of this missense change (SIFT: "Tolerated"; PolyPhen-2: "Not Available"; Align-GVGD: "Class C0").